The following is an entry in ClinVar:

ClinVar aggregate classification (germline): Uncertain significance (1 of 4 stars; one submission).

Conditions:
Cardiovascular phenotype. Identifiers: MedGen CN230736.

Submission:

Ambry Genetics
Classification: Uncertain significance for Cardiovascular phenotype. Last evaluated: 2025-05-06. Review status: criteria provided, single submitter. Criteria: Ambry Variant Classification Scheme 2023. Collection method: clinical testing. Allele origin: germline.
Comment: The p.E621Q variant (also known as c.1861G>C), located in coding exon 35 of the TRDN gene, results from a G to C substitution at nucleotide position 1861. The glutamic acid at codon 621 is replaced by glutamine, an amino acid with highly similar properties. This amino acid position is conserved. In addition, this alteration is predicted to be tolerated by in silico analysis. Based on the available evidence, the clinical significance of this variant remains unclear.

NM_006073.4(TRDN):c.1861G>C (p.Glu621Gln)

Gene: TRDN (triadin; minus strand). Cytogenetic location: 6q22.31.
Variant type: single nucleotide variant.
Coding change: c.1861G>C on transcript NM_006073.4 (MANE Select); coding-DNA position 1861, G replaced by C.
Protein change: p.Glu621Gln; replaces glutamic acid 621 with glutamine.
Molecular consequence: missense variant.
Genome position (GRCh38, 1-based): chr6:123,259,633, C>G on the plus strand (G>C on the coding strand, the complement: TRDN is on the minus strand). VCF-style: chr6-123259633-C-G. GRCh37 (hg19) VCF-style: chr6-123580778-C-G.
Other names: short protein forms E621Q.
Identifiers: ClinVar variation 3973122 (VCV003973122.1).
Genomic context (GRCh38, chr6:123,259,633, plus strand): 5'-CTCTGTTTTTGTGGCTAATTTGATGTATATGTCTTAAAATGTCATTTTTACCTTTACTTT[C>G]TTTTTCAGATATTTCAGTTTTCTTCTTTCCTAGGGGAAAGAAAAACAACAAGAAACCATC-3'
Protein context (NP_006064.2, residues 611-631): GKKKTEISEK[Glu621Gln]SKEKADMKHL